The following is an entry in ClinVar:

NM_000540.3(RYR1):c.9789C>T (p.Tyr3263=)

Gene: RYR1 (ryanodine receptor 1; plus strand). Cytogenetic location: 19q13.2.
Variant type: single nucleotide variant.
Coding change: c.9789C>T on transcript NM_000540.3 (MANE Select); coding-DNA position 9789, C replaced by T.
Protein change: p.Tyr3263=; no amino-acid change (tyrosine 3263 retained).
Molecular consequence: synonymous variant.
Genome position (GRCh38, 1-based): chr19:38,517,462, C>T. VCF-style: chr19-38517462-C-T. GRCh37 (hg19) VCF-style: chr19-39008102-C-T.
Other names: c.9789C>T, p.Tyr3263= (NM_001042723.2).
Identifiers: ClinVar variation 256588 (VCV000256588.57), dbSNP rs372613003, ClinGen allele CA074153.

ClinVar aggregate classification (germline): Likely benign. Review status: criteria provided, multiple submitters, no conflicts (2 of 4 stars). 7 submissions from 7 submitters: Likely benign (7). Last evaluated 2026-01-19.

Conditions:
Malignant hyperthermia, susceptibility to, 1 (MHS1). Also called: Anesthesia related hyperthermia; Malignant hyperpyrexia; Fulminating hyperpyrexia; Pharmacogenic myopathy; RYR1-Related Malignant Hyperthermia Susceptibility; Malignant hyperthermia suceptibility 1. Identifiers: Orphanet 423, MedGen C2930980, MONDO:0007783, OMIM 145600.
RYR1-related disorder. Also called: RYR1-related disorders; RYR1-related condition. Identifiers: MedGen CN239331.

Allele frequency attached by ClinVar (database versions not stated): gnomAD below 0.00001 and 0.00005; TOPMed 0.00001; gnomAD exomes 0.00007 and 0.00017; ExAC 0.00021; 1000 Genomes Project 30x 0.00031; 1000 Genomes Project 0.00040.
gnomAD v4.1: 118 of 1,614,116 alleles (0.0073%); highest among the groups gnomAD compares: South Asian, 0.12%; no homozygotes.

Submissions (7):

Labcorp Genetics (formerly Invitae), Labcorp
Classification: Likely benign for RYR1-related disorder. Last evaluated: 2026-01-19. Review status: criteria provided, single submitter. Criteria: Invitae Variant Classification Sherloc (09022015). Collection method: clinical testing. Allele origin: germline.

Blueprint Genetics
Classification: Likely benign. Last evaluated: 2024-11-18. Review status: criteria provided, single submitter. Criteria: ACMG Guidelines, 2015. Collection method: clinical testing. Allele origin: germline.

All of Us Research Program, National Institutes of Health
Classification: Likely benign for Malignant hyperthermia, susceptibility to, 1. Last evaluated: 2024-02-05. Review status: criteria provided, single submitter. Criteria: ACMG Guidelines, 2015. Collection method: clinical testing. Allele origin: germline. Inheritance: Autosomal dominant inheritance. Observed: 10 variant alleles, 10 heterozygotes.
Comment: This variant is located in the RYR1 protein. To our knowledge, functional studies have not been reported for this variant. This variant has not been reported in individuals affected with RYR1-related disorders in the literature. This variant has been identified in 43/250326 chromosomes in the general population by the Genome Aggregation Database (gnomAD). The available evidence is insufficient to determine the role of this variant in disease conclusively. Therefore, this variant is classified as a Variant of Uncertain Significance.

This study involves interpretation of variants in research participants for the purpose of population health screening. Participant phenotype was not available at the time of variant classification. Additional details can be found in publication PMID: 35346344, PMCID: PMC8962531

Color Diagnostics, LLC DBA Color Health
Classification: Likely benign for Malignant hyperthermia, susceptibility to, 1. Last evaluated: 2023-11-08. Review status: criteria provided, single submitter. Criteria: ACMG Guidelines, 2015. Collection method: clinical testing. Allele origin: germline.

GeneDx
Classification: Likely benign. Last evaluated: 2020-09-21. Review status: criteria provided, single submitter. Criteria: GeneDx Variant Classification Process June 2021. Collection method: clinical testing. Allele origin: germline. Affected: yes.

CeGaT Center for Human Genetics Tuebingen
Classification: Likely benign. Last evaluated: 2019-07-01. Review status: criteria provided, single submitter. Criteria: CeGaT Center For Human Genetics Tuebingen Variant Classification Criteria Version 2. Collection method: clinical testing. Allele origin: germline. Affected: yes. Observed: 1 variant allele.

PreventionGenetics, part of Exact Sciences
Classification: Likely benign. Review status: criteria provided, single submitter. Criteria: ACMG Guidelines, 2015. Collection method: clinical testing. Allele origin: germline.